The following is an entry in ClinVar:

NM_000257.4(MYH7):c.391C>G (p.Leu131Val)

Gene: MYH7 (myosin heavy chain 7; minus strand). Cytogenetic location: 14q11.2.
Variant type: single nucleotide variant.
Coding change: c.391C>G on transcript NM_000257.4 (MANE Select); coding-DNA position 391, C replaced by G.
Protein change: p.Leu131Val; replaces leucine 131 with valine.
Molecular consequence: missense variant.
Genome position (GRCh38, 1-based): chr14:23,432,750, G>C on the plus strand (C>G on the coding strand, the complement: MYH7 is on the minus strand). VCF-style: chr14-23432750-G-C. GRCh37 (hg19) VCF-style: chr14-23901959-G-C.
Other names: c.391C>G, p.Leu131Val (NM_001407004.1); short protein forms L131V.
Identifiers: ClinVar variation 3070079 (VCV003070079.1), dbSNP rs1566538149, ClinGen allele CA389052913.

ClinVar aggregate classification (germline): Uncertain significance (1 of 4 stars; one submission).

Conditions:
Cardiomyopathy (CMYO). Also called: Cardiomyopathies. Identifiers: Orphanet 167848, MedGen C0878544, MONDO:0004994, HP:0001638. Inheritance: Various modes of inheritance.

Allele frequency attached by ClinVar (database versions not stated): gnomAD exomes below 0.00001.
gnomAD v4.1: 1 of 1,614,200 alleles (0.000062%); highest among the groups gnomAD compares: East Asian, 0.0022%; no homozygotes.

Submission:

All of Us Research Program, National Institutes of Health
Classification: Uncertain significance for Cardiomyopathy. Last evaluated: 2023-04-03. Review status: criteria provided, single submitter. Criteria: ACMG Guidelines, 2015. Collection method: clinical testing. Allele origin: germline. Inheritance: Autosomal dominant inheritance. Observed: 1 variant allele, 1 heterozygote.
Comment: This missense variant replaces leucine with valine at codon 131 of the MYH7 protein. This variant is found within a highly conserved region of the myosin head domain. Missense variants in this region have been shown to be significantly overrepresented in individuals with hypertrophic cardiomyopathy (PMID: 27532257). Computational prediction suggests that this variant may have deleterious impact on protein structure and function (internally defined REVEL score threshold >= 0.7, PMID: 27666373). To our knowledge, functional studies have not been reported for this variant. This variant has not been reported in individuals affected with MYH7-related disorders in the literature. This variant has not been identified in the general population by the Genome Aggregation Database (gnomAD). The available evidence is insufficient to determine the role of this variant in disease conclusively. Therefore, this variant is classified as a Variant of Uncertain Significance.

This study involves interpretation of variants in research participants for the purpose of population health screening. Participant phenotype was not available at the time of variant classification. Additional details can be found in publication PMID: 35346344, PMCID: PMC8962531

Literature cited by the submitters: PubMed 27532257.